The following is an entry in ClinVar:

NM_001323289.2(CDKL5):c.460T>C (p.Phe154Leu)

Gene: CDKL5 (cyclin dependent kinase like 5; plus strand). Cytogenetic location: Xp22.13.
Variant type: single nucleotide variant.
Coding change: c.460T>C on transcript NM_001323289.2 (MANE Select); coding-DNA position 460, T replaced by C.
Protein change: p.Phe154Leu; replaces phenylalanine 154 with leucine.
Molecular consequence: missense variant.
Genome position (GRCh38, 1-based): chrX:18,581,947, T>C. VCF-style: chrX-18581947-T-C. GRCh37 (hg19) VCF-style: chrX-18600067-T-C.
Other names: c.460T>C, p.Phe154Leu (NM_001037343.2, NM_003159.3); short protein forms F154L.
Identifiers: ClinVar variation 1501193 (VCV001501193.8), dbSNP rs2147144071, ClinGen allele CA412351101.

ClinVar aggregate classification (germline): Uncertain significance (1 of 4 stars; one submission).

Conditions:
Angelman syndrome-like. Identifiers: MedGen CN128785.
Developmental and epileptic encephalopathy, 2 (DEE2). Also called: INFANTILE SPASM SYNDROME, X-LINKED 2; CDKL5 deficiency disorder. Identifiers: Orphanet 1934, Orphanet 3451, Orphanet 505652, MedGen C4750718, MONDO:0010396, OMIM 300672.

Submission:

Labcorp Genetics (formerly Invitae), Labcorp
Classification: Uncertain significance for Developmental and epileptic encephalopathy, 2; Angelman syndrome-like. Last evaluated: 2021-01-08. Review status: criteria provided, single submitter. Criteria: Invitae Variant Classification Sherloc (09022015). Collection method: clinical testing. Allele origin: germline.
Comment: Advanced modeling of protein sequence and biophysical properties (such as structural, functional, and spatial information, amino acid conservation, physicochemical variation, residue mobility, and thermodynamic stability) performed at Invitae indicates that this missense variant is expected to disrupt CDKL5 protein function. In summary, the available evidence is currently insufficient to determine the role of this variant in disease. Therefore, it has been classified as a Variant of Uncertain Significance. This variant has not been reported in the literature in individuals with CDKL5-related conditions. This variant is not present in population databases (ExAC no frequency). This sequence change replaces phenylalanine with leucine at codon 154 of the CDKL5 protein (p.Phe154Leu). The phenylalanine residue is highly conserved and there is a small physicochemical difference between phenylalanine and leucine.